The following is an entry in ClinVar:

ClinVar aggregate classification (germline): Uncertain significance (1 of 4 stars; one submission).

Conditions:
Niemann-Pick disease, type C1. Also called: NIEMANN-PICK DISEASE, VARIANT TYPE C1; NEUROVISCERAL STORAGE DISEASE WITH VERTICAL SUPRANUCLEAR OPHTHALMOPLEGIA; NIEMANN-PICK DISEASE WITH CHOLESTEROL ESTERIFICATION BLOCK; NIEMANN-PICK DISEASE WITHOUT SPHINGOMYELINASE DEFICIENCY; NIEMANN-PICK DISEASE, CHRONIC NEURONOPATHIC FORM. Identifiers: Orphanet 646, MedGen C3179455, MONDO:0009757, OMIM 257220.

Submission:

Labcorp Genetics (formerly Invitae), Labcorp
Classification: Uncertain significance for Niemann-Pick disease, type C1. Last evaluated: 2022-10-30. Review status: criteria provided, single submitter. Criteria: Invitae Variant Classification Sherloc (09022015). Collection method: clinical testing. Allele origin: germline.
Comment: A copy number gain of the genomic region encompassing the full coding sequence of the NPC1 gene has been identified. The boundaries of this event are unknown as they extend beyond the assayed region for this gene and therefore may encompass additional genes. As the precise location of this event is unknown, it may be in tandem or it may be located elsewhere in the genome. This variant has not been reported in the literature in individuals affected with NPC1-related conditions. Experimental studies and prediction algorithms are not available or were not evaluated, and the functional significance of this variant is currently unknown. In summary, the available evidence is currently insufficient to determine the role of this variant in disease. Therefore, it has been classified as a Variant of Uncertain Significance.

NC_000018.9:g.(?_18963480)_(21534612_?)dup

Genes: ANKRD29 (ankyrin repeat domain 29; minus strand), ABHD3 (abhydrolase domain containing 3, phospholipase; minus strand), CABLES1 (Cdk5 and Abl enzyme substrate 1; plus strand), CTAGE1 (cutaneous T cell lymphoma-associated antigen 1; minus strand), ESCO1 (establishment of sister chromatid cohesion N-acetyltransferase 1; minus strand) and 12 more. Cytogenetic location: 18q11.1-11.2.
Variant type: Duplication.
Identifiers: ClinVar variation 2422760 (VCV002422760.3).